The following is an entry in ClinVar:

NM_000038.6(APC):c.2833A>C (p.Arg945=)

Gene: APC (APC regulator of Wnt signaling pathway; plus strand). Cytogenetic location: 5q22.2.
Variant type: single nucleotide variant.
Coding change: c.2833A>C on transcript NM_000038.6 (MANE Select); coding-DNA position 2833, A replaced by C.
Protein change: p.Arg945=; no amino-acid change (arginine 945 retained).
Molecular consequence: synonymous variant. On other transcripts: non-coding transcript variant (2).
Genome position (GRCh38, 1-based): chr5:112,838,427, A>C. VCF-style: chr5-112838427-A-C. GRCh37 (hg19) VCF-style: chr5-112174124-A-C.
Other names: c.2833A>C, p.Arg945= (NM_001127510.3, NM_001354895.2, NM_001407450.1); c.2779A>C, p.Arg927= (NM_001127511.3); c.2887A>C, p.Arg963= (NM_001354896.2, NM_001407447.1, NM_001407448.1 and 1 more transcripts); c.2863A>C, p.Arg955= (NM_001354897.2); c.2758A>C, p.Arg920= (NM_001354898.2); c.2749A>C, p.Arg917= (NM_001354899.2); c.2710A>C, p.Arg904= (NM_001354900.2); c.2656A>C, p.Arg886= (NM_001354901.2, NM_001407453.1); and 11 more.
Identifiers: ClinVar variation 3148420 (VCV003148420.1), dbSNP rs1322051434, ClinGen allele CA445962933.

ClinVar aggregate classification (germline): Benign (1 of 4 stars; one submission).

Conditions:
Familial adenomatous polyposis 1 (FAP1). Also called: POLYPOSIS, ADENOMATOUS INTESTINAL; FAMILIAL ADENOMATOUS POLYPOSIS 1, ATTENUATED. Identifiers: MedGen C2713442, MONDO:0021056, OMIM 175100. Disease mechanism: loss of function.

Submission:

Myriad Genetics, Inc.
Classification: Benign for Familial adenomatous polyposis 1. Last evaluated: 2024-03-15. Review status: criteria provided, single submitter. Criteria: Myriad Autosomal Dominant, Autosomal Recessive and X-Linked Classification Criteria (2023). Collection method: clinical testing. Allele origin: unknown.
Comment: This variant is considered benign. This variant is a silent/synonymous amino acid change and it is not expected to impact splicing.